The following is an entry in ClinVar:

ClinVar aggregate classification (germline): Uncertain significance (1 of 4 stars; one submission).

Conditions:
Multiple endocrine neoplasia, type 2 (MEN2). Identifiers: Orphanet 653, MedGen C4048306, MONDO:0019003. Disease mechanism: gain of function.

Allele frequency attached by ClinVar (database versions not stated): gnomAD exomes below 0.00001.
gnomAD v4.1: 1 of 1,614,122 alleles (0.000062%); highest among the groups gnomAD compares: Non-Finnish European, 0.000085%; no homozygotes.

Submission:

Labcorp Genetics (formerly Invitae), Labcorp
Classification: Uncertain significance for Multiple endocrine neoplasia, type 2. Last evaluated: 2019-03-19. Review status: criteria provided, single submitter. Criteria: Invitae Variant Classification Sherloc (09022015). Collection method: clinical testing. Allele origin: germline.
Comment: In summary, the available evidence is currently insufficient to determine the role of this variant in disease. Therefore, it has been classified as a Variant of Uncertain Significance. Algorithms developed to predict the effect of missense changes on protein structure and function (SIFT, PolyPhen-2, Align-GVGD) all suggest that this variant is likely to be tolerated, but these predictions have not been confirmed by published functional studies and their clinical significance is uncertain. This variant has not been reported in the literature in individuals with RET-related conditions. This variant is not present in population databases (ExAC no frequency). This sequence change replaces arginine with threonine at codon 1013 of the RET protein (p.Arg1013Thr). The arginine residue is highly conserved and there is a moderate physicochemical difference between arginine and threonine.

NM_020975.6(RET):c.3038G>C (p.Arg1013Thr)

Gene: RET (ret proto-oncogene; plus strand). Cytogenetic location: 10q11.21.
Variant type: single nucleotide variant.
Coding change: c.3038G>C on transcript NM_020975.6 (MANE Select); coding-DNA position 3038, G replaced by C.
Protein change: p.Arg1013Thr; replaces arginine 1013 with threonine.
Molecular consequence: missense variant.
Genome position (GRCh38, 1-based): chr10:43,124,981, G>C. VCF-style: chr10-43124981-G-C. GRCh37 (hg19) VCF-style: chr10-43620429-G-C.
Other names: c.3038G>C, p.Arg1013Thr (NM_000323.2, NM_001406743.1, NM_001406744.1 and 4 more transcripts); c.2276G>C, p.Arg759Thr (NM_001355216.2); c.2909G>C, p.Arg970Thr (NM_001406761.1, NM_001406762.1, NM_001406764.1); c.2903G>C, p.Arg968Thr (NM_001406763.1, NM_001406765.1); c.2750G>C, p.Arg917Thr (NM_001406766.1, NM_001406767.1, NM_001406770.1); c.2774G>C, p.Arg925Thr (NM_001406768.1); c.2642G>C, p.Arg881Thr (NM_001406769.1, NM_001406772.1); c.2600G>C, p.Arg867Thr (NM_001406771.1, NM_001406773.1); and 10 more; short protein forms R1013T, R759T, R669T, R683T, R671T, R771T, R917T, R578T.
Identifiers: ClinVar variation 850423 (VCV000850423.10), dbSNP rs1838299542, ClinGen allele CA376558248.